The following is an entry in ClinVar:

NM_201384.3(PLEC):c.5378C>G (p.Ala1793Gly)

Gene: PLEC (plectin; minus strand). Cytogenetic location: 8q24.3.
Variant type: single nucleotide variant.
Coding change: c.5378C>G on transcript NM_201384.3 (MANE Select); coding-DNA position 5378, C replaced by G.
Protein change: p.Ala1793Gly; replaces alanine 1793 with glycine.
Molecular consequence: missense variant. On other transcripts: intron variant (1).
Genome position (GRCh38, 1-based): chr8:143,924,551, G>C on the plus strand (C>G on the coding strand, the complement: PLEC is on the minus strand). VCF-style: chr8-143924551-G-C. GRCh37 (hg19) VCF-style: chr8-144998719-G-C.
Other names: c.5459C>G, p.Ala1820Gly (NM_000445.5); c.5336C>G, p.Ala1779Gly (NM_201378.4); c.5312C>G, p.Ala1771Gly (NM_201379.3); c.5789C>G, p.Ala1930Gly (NM_201380.4); c.5282C>G, p.Ala1761Gly (NM_201381.3); c.5378C>G, p.Ala1793Gly (NM_201382.4); c.5390C>G, p.Ala1797Gly (NM_201383.3); c.4126-2156C>G (NM_001410941.1); short protein forms A1771G, A1761G, A1779G, A1930G, A1793G, A1820G, A1797G.
Identifiers: ClinVar variation 3214706 (VCV003214706.3), dbSNP rs2537924706, ClinGen allele CA372545629.

ClinVar aggregate classification (germline): Uncertain significance. Review status: criteria provided, multiple submitters, no conflicts (2 of 4 stars). 2 submissions from 2 submitters: Uncertain significance (2). Last evaluated 2024-03-21.

Conditions:
Epidermolysis bullosa simplex 5C, with pyloric atresia (EBS5C). Also called: PLEC1-Related Epidermolysis Bullosa with Pyloric Atresia; PLEC-Related Epidermolysis Bullosa with Pyloric Atresia; Epidermolysis bullosa simplex with pyloric atresia. Identifiers: Orphanet 158684, MedGen C2677349, MONDO:0012807, OMIM 612138.
Epidermolysis bullosa simplex 5B, with muscular dystrophy (EBS5B). Also called: EPIDERMOLYSIS BULLOSA SIMPLEX AND LIMB-GIRDLE MUSCULAR DYSTROPHY; Epidermolysis bullosa simplex with muscular dystrophy. Identifiers: Orphanet 257, MedGen C2931072, MONDO:0009181, OMIM 226670.
Epidermolysis bullosa simplex, Ogna type (EBS5A). Also called: Pidermolysis bullosa simplex 5A, Ogna type; EPIDERMOLYSIS BULLOSA SIMPLEX 5A, OGNA TYPE. Identifiers: Orphanet 79401, MedGen C0432317, MONDO:0007555, OMIM 131950.
Autosomal recessive limb-girdle muscular dystrophy type 2Q (LGMDR17). Also called: MUSCULAR DYSTROPHY, LIMB-GIRDLE, AUTOSOMAL RECESSIVE 17. Identifiers: Orphanet 254361, MedGen C3150989, MONDO:0013390, OMIM 613723.
Epidermolysis bullosa simplex with nail dystrophy (EBS5D). Identifiers: MedGen C4225309, MONDO:0014661, OMIM 616487.
Inborn genetic diseases. Identifiers: MedGen C0950123, MeSH D030342.

gnomAD v4.1: 4 of 1,543,938 alleles (0.00026%); highest among the groups gnomAD compares: Non-Finnish European, 0.00035%; no homozygotes.

Submissions (2):

Labcorp Genetics (formerly Invitae), Labcorp
Classification: Uncertain significance for Autosomal recessive limb-girdle muscular dystrophy type 2Q; Epidermolysis bullosa simplex, Ogna type; Epidermolysis bullosa simplex with nail dystrophy; Epidermolysis bullosa simplex 5C, with pyloric atresia; Epidermolysis bullosa simplex 5B, with muscular dystrophy. Last evaluated: 2024-03-21. Review status: criteria provided, single submitter. Criteria: Invitae Variant Classification Sherloc (09022015). Collection method: clinical testing. Allele origin: germline.
Comment: This sequence change replaces alanine, which is neutral and non-polar, with glycine, which is neutral and non-polar, at codon 1820 of the PLEC protein (p.Ala1820Gly). This variant is not present in population databases (gnomAD no frequency). This variant has not been reported in the literature in individuals affected with PLEC-related conditions. Advanced modeling of protein sequence and biophysical properties (such as structural, functional, and spatial information, amino acid conservation, physicochemical variation, residue mobility, and thermodynamic stability) performed at Invitae indicates that this missense variant is expected to disrupt PLEC protein function with a positive predictive value of 80%. In summary, the available evidence is currently insufficient to determine the role of this variant in disease. Therefore, it has been classified as a Variant of Uncertain Significance.

Ambry Genetics
Classification: Uncertain significance for Inborn genetic diseases. Last evaluated: 2023-10-16. Review status: criteria provided, single submitter. Criteria: Ambry Variant Classification Scheme 2023. Collection method: clinical testing. Allele origin: germline.